The following is an entry in ClinVar:

NM_013432.5(TONSL):c.557G>A (p.Arg186Lys)

Gene: TONSL (tonsoku like, DNA repair protein; minus strand). Cytogenetic location: 8q24.3.
Variant type: single nucleotide variant.
Coding change: c.557G>A on transcript NM_013432.5 (MANE Select); coding-DNA position 557, G replaced by A.
Protein change: p.Arg186Lys; replaces arginine 186 with lysine.
Molecular consequence: missense variant.
Genome position (GRCh38, 1-based): chr8:144,442,698, C>T on the plus strand (G>A on the coding strand, the complement: TONSL is on the minus strand). VCF-style: chr8-144442698-C-T. GRCh37 (hg19) VCF-style: chr8-145668081-C-T.
Other names: short protein forms R186K.
Identifiers: ClinVar variation 1420525 (VCV001420525.3), dbSNP rs146629620, ClinGen allele CA4943622.

ClinVar aggregate classification (germline): Uncertain significance (1 of 4 stars; one submission).

Allele frequency attached by ClinVar (database versions not stated): gnomAD exomes 0.00006 and 0.00009; gnomAD 0.00007; ExAC 0.00008; ESP Exome Variant Server 0.00008; TOPMed 0.00009.
gnomAD v4.1: 108 of 1,612,816 alleles (0.0067%); highest among the groups gnomAD compares: African/African-American, 0.0027%; 1 homozygote.

Submission:

Labcorp Genetics (formerly Invitae), Labcorp
Classification: Uncertain significance. Last evaluated: 2022-07-26. Review status: criteria provided, single submitter. Criteria: Invitae Variant Classification Sherloc (09022015). Collection method: clinical testing. Allele origin: germline.
Comment: This sequence change replaces arginine, which is basic and polar, with lysine, which is basic and polar, at codon 186 of the TONSL protein (p.Arg186Lys). This variant is present in population databases (rs146629620, gnomAD 0.2%). This variant has not been reported in the literature in individuals affected with TONSL-related conditions. ClinVar contains an entry for this variant (Variation ID: 1420525). Algorithms developed to predict the effect of missense changes on protein structure and function output the following: SIFT: "Tolerated"; PolyPhen-2: "Benign"; Align-GVGD: "Class C0". The lysine amino acid residue is found in multiple mammalian species, which suggests that this missense change does not adversely affect protein function. In summary, the available evidence is currently insufficient to determine the role of this variant in disease. Therefore, it has been classified as a Variant of Uncertain Significance.